The following is an entry in ClinVar:

NM_007315.4(STAT1):c.1362C>T (p.Pro454=)

Gene: STAT1 (signal transducer and activator of transcription 1; minus strand). Cytogenetic location: 2q32.2.
Variant type: single nucleotide variant.
Coding change: c.1362C>T on transcript NM_007315.4 (MANE Select); coding-DNA position 1362, C replaced by T.
Protein change: p.Pro454=; no amino-acid change (proline 454 retained).
Molecular consequence: synonymous variant.
Genome position (GRCh38, 1-based): chr2:190,983,726, G>A on the plus strand (C>T on the coding strand, the complement: STAT1 is on the minus strand). VCF-style: chr2-190983726-G-A. GRCh37 (hg19) VCF-style: chr2-191848452-G-A.
Other names: c.1302C>T, p.Pro434= (NM_001384880.1); c.1368C>T, p.Pro456= (NM_001384881.1, NM_001384884.1); c.1356C>T, p.Pro452= (NM_001384882.1); c.1263C>T, p.Pro421= (NM_001384883.1); c.1203C>T, p.Pro401= (NM_001384885.1); c.1362C>T, p.Pro454= (NM_001384886.1, NM_001384889.1, NM_139266.3); c.1269C>T, p.Pro423= (NM_001384887.1); c.1332C>T, p.Pro444= (NM_001384888.1); and 3 more.
Identifiers: ClinVar variation 1082888 (VCV001082888.11), dbSNP rs753907638, ClinGen allele CA2029944.
Genomic context (GRCh38, chr2:190,983,726, plus strand): 5'-GTACCAAAGGATGGAGGCCCAACCGCTCGGGAGCTGGCTGACGTTGGAGATCACCACAAC[G>A]GGCAGAGAGGTCGTCTAAAGGATGACAAAGACCTTGAAATCATCTGAATCACAGAAATGT-3'
Protein context (NP_009330.1, residues 444-464): LVIDLETTSL[Pro454=]VVVISNVSQL

ClinVar aggregate classification (germline): Likely benign. Review status: criteria provided, single submitter (1 of 4 stars). 2 submissions from 2 submitters: Likely benign (1). 1 of the submissions does not count toward it. Last evaluated 2025-12-28.

Conditions:
Mendelian susceptibility to mycobacterial diseases due to partial STAT1 deficiency. Also called: Immunodeficiency 31a; IMMUNODEFICIENCY 31A, MYCOBACTERIOSIS, AUTOSOMAL DOMINANT; STAT1 DEFICIENCY, AUTOSOMAL DOMINANT. Identifiers: Orphanet 319595, MedGen C4013950, MONDO:0013956, OMIM 614892.
Immunodeficiency 31B. Also called: IMMUNODEFICIENCY 31B, MYCOBACTERIAL AND VIRAL INFECTIONS, AUTOSOMAL RECESSIVE; STAT1 DEFICIENCY, AUTOSOMAL RECESSIVE. Identifiers: Orphanet 391311, MedGen C3151088, MONDO:0013427, OMIM 613796.
Autoimmune enteropathy and endocrinopathy - susceptibility to chronic infections syndrome. Also called: Immunodeficiency 31C; Immunodeficiency 31C, autosomal dominant. Identifiers: Orphanet 391487, MedGen C3279990, MONDO:0013599, OMIM 614162.
STAT1-related disorder. Also called: STAT1-related condition.

Allele frequency attached by ClinVar (database versions not stated): gnomAD exomes 0.00002 and 0.00003; ExAC 0.00005.
gnomAD v4.1: 27 of 1,613,994 alleles (0.0017%); highest among the groups gnomAD compares: East Asian, 0.0089%; no homozygotes.

Submissions (2):

Labcorp Genetics (formerly Invitae), Labcorp
Classification: Likely benign for Mendelian susceptibility to mycobacterial diseases due to partial STAT1 deficiency; Immunodeficiency 31B; Autoimmune enteropathy and endocrinopathy - susceptibility to chronic infections syndrome. Last evaluated: 2025-12-28. Review status: criteria provided, single submitter. Criteria: Invitae Variant Classification Sherloc (09022015). Collection method: clinical testing. Allele origin: germline.

PreventionGenetics, part of Exact Sciences
Classification: Likely benign for STAT1-related condition. Last evaluated: 2019-08-20. Review status: no assertion criteria provided. Collection method: clinical testing. Allele origin: germline. Not counted in ClinVar's aggregate classification.
Comment: This variant is classified as likely benign based on ACMG/AMP sequence variant interpretation guidelines (Richards et al. 2015 PMID: 25741868, with internal and published modifications).